The following is an entry in ClinVar:

NM_014028.4(OSTM1):c.352del (p.Leu118fs)

Gene: OSTM1 (osteoclastogenesis associated transmembrane protein 1; minus strand). Cytogenetic location: 6q21.
Variant type: Deletion.
Coding change: c.352del on transcript NM_014028.4 (MANE Select); coding-DNA position 352, one base deleted (C; older notation c.352delC).
Protein change: p.Leu118fs; shifts the reading frame from leucine 118.
Molecular consequence: frameshift variant.
Genome position (GRCh38, 1-based): chr6:108,074,300, G deleted on the plus strand (C on the coding strand, the reverse complement: OSTM1 is on the minus strand); the first of 5 consecutive G bases (chr6:108,074,300-108,074,304); deleting any one gives the same sequence. VCF-style (leftmost placement, unchanged base first): chr6-108074299-AG-A. GRCh37 (hg19) VCF-style: chr6-108395503-AG-A.
Other names: short protein forms L118fs.
Identifiers: ClinVar variation 2089700 (VCV002089700.4), dbSNP rs2482241461, ClinGen allele CA2580074715.

ClinVar aggregate classification (germline): Pathogenic (1 of 4 stars; one submission).

Submission:

Labcorp Genetics (formerly Invitae), Labcorp
Classification: Pathogenic. Last evaluated: 2022-01-26. Review status: criteria provided, single submitter. Criteria: Invitae Variant Classification Sherloc (09022015). Collection method: clinical testing. Allele origin: germline.
Comment: For these reasons, this variant has been classified as Pathogenic. This variant has not been reported in the literature in individuals affected with OSTM1-related conditions. This variant is not present in population databases (gnomAD no frequency). This sequence change creates a premature translational stop signal (p.Leu118Serfs*30) in the OSTM1 gene. It is expected to result in an absent or disrupted protein product. Loss-of-function variants in OSTM1 are known to be pathogenic (PMID: 12627228, 15108279, 16813530).

Literature cited by the submitters: PubMed 12627228; PubMed 15108279; PubMed 16813530.